The following is an entry in ClinVar:

NM_001042492.3(NF1):c.7371_7372dup (p.Arg2458fs)

Gene: NF1 (neurofibromin 1; plus strand). Cytogenetic location: 17q11.2.
Variant type: Duplication.
Coding change: c.7371_7372dup on transcript NM_001042492.3 (MANE Select); coding-DNA positions 7371 to 7372, 2 bases duplicated (TA; older notation c.7371_7372dupTA).
Protein change: p.Arg2458fs; shifts the reading frame from arginine 2458.
Molecular consequence: frameshift variant.
Genome position (GRCh38, 1-based): chr17:31,350,232-31,350,233, TA duplicated; duplicating any 2 consecutive bases within chr17:31,350,231-31,350,233 gives the same sequence; the c. name uses the placement nearest the transcript's 3' end. VCF-style (leftmost placement, unchanged base first): chr17-31350230-C-CAT. GRCh37 (hg19) VCF-style: chr17-29677248-C-CAT.
Other names: c.7308_7309dup, p.Arg2437Ilefs (NM_000267.4); short protein forms R2458fs, R2437fs.
Identifiers: ClinVar variation 2032803 (VCV002032803.4), dbSNP rs2508805509, ClinGen allele CA2580093371.

ClinVar aggregate classification (germline): Pathogenic (1 of 4 stars; one submission).

Conditions:
Neurofibromatosis, type 1 (NF1). Also called: VON RECKLINGHAUSEN DISEASE; NEUROFIBROMATOSIS, TYPE I, SOMATIC; Neurofibromatosis, type I; Peripheral type neurofibromatosis. Identifiers: Orphanet 636, MedGen C0027831, MONDO:0018975, OMIM 162200. Disease mechanism: loss of function.

Submission:

Labcorp Genetics (formerly Invitae), Labcorp
Classification: Pathogenic for Neurofibromatosis, type 1. Last evaluated: 2022-09-27. Review status: criteria provided, single submitter. Criteria: Invitae Variant Classification Sherloc (09022015). Collection method: clinical testing. Allele origin: germline.
Comment: This variant is not present in population databases (gnomAD no frequency). This sequence change creates a premature translational stop signal (p.Arg2437Ilefs*32) in the NF1 gene. It is expected to result in an absent or disrupted protein product. Loss-of-function variants in NF1 are known to be pathogenic (PMID: 10712197, 23913538). This variant has not been reported in the literature in individuals affected with NF1-related conditions. For these reasons, this variant has been classified as Pathogenic.

Literature cited by the submitters: PubMed 10712197; PubMed 23913538.